The following is an entry in ClinVar:

NM_014780.5(CUL7):c.4871G>A (p.Cys1624Tyr)

Gene: CUL7 (cullin 7; minus strand). Cytogenetic location: 6p21.1.
Variant type: single nucleotide variant.
Coding change: c.4871G>A on transcript NM_014780.5 (MANE Select); coding-DNA position 4871, G replaced by A.
Protein change: p.Cys1624Tyr; replaces cysteine 1624 with tyrosine.
Molecular consequence: missense variant.
Genome position (GRCh38, 1-based): chr6:43,037,914, C>T on the plus strand (G>A on the coding strand, the complement: CUL7 is on the minus strand). VCF-style: chr6-43037914-C-T. GRCh37 (hg19) VCF-style: chr6-43005652-C-T.
Other names: c.4871G>A (NM_014780.4); c.4967G>A, p.Cys1656Tyr (NM_001168370.2, NM_001374872.1); c.4883G>A, p.Cys1628Tyr (NM_001374873.1); c.4868G>A, p.Cys1623Tyr (NM_001374874.1); short protein forms C1623Y, C1656Y, C1624Y, C1628Y.
Identifiers: ClinVar variation 1347237 (VCV001347237.9), dbSNP rs1264640072, ClinGen allele CA364181624.

ClinVar aggregate classification (germline): Uncertain significance. Review status: criteria provided, multiple submitters, no conflicts (2 of 4 stars). 2 submissions from 2 submitters: Uncertain significance (2). Last evaluated 2025-08-30.

Conditions:
Inborn genetic diseases. Identifiers: MedGen C0950123, MeSH D030342.

Allele frequency attached by ClinVar (database versions not stated): gnomAD exomes below 0.00001; gnomAD 0.00001; TOPMed 0.00001.

Submissions (2):

Ambry Genetics
Classification: Uncertain significance for Inborn genetic diseases. Last evaluated: 2025-08-30. Review status: criteria provided, single submitter. Criteria: Ambry Variant Classification Scheme 2023. Collection method: clinical testing. Allele origin: germline.

Labcorp Genetics (formerly Invitae), Labcorp
Classification: Uncertain significance. Last evaluated: 2021-06-29. Review status: criteria provided, single submitter. Criteria: Invitae Variant Classification Sherloc (09022015). Collection method: clinical testing. Allele origin: germline.
Comment: This sequence change replaces cysteine with tyrosine at codon 1624 of the CUL7 protein (p.Cys1624Tyr). The cysteine residue is highly conserved and there is a large physicochemical difference between cysteine and tyrosine. This variant is not present in population databases (ExAC no frequency). This variant has not been reported in the literature in individuals affected with CUL7-related conditions. Algorithms developed to predict the effect of missense changes on protein structure and function (SIFT, PolyPhen-2, Align-GVGD) all suggest that this variant is likely to be disruptive. In summary, the available evidence is currently insufficient to determine the role of this variant in disease. Therefore, it has been classified as a Variant of Uncertain Significance.